The following is an entry in ClinVar:

ClinVar aggregate classification (germline): Pathogenic (1 of 4 stars; one submission).

Conditions:
GNPTAB-mucolipidosis. Also called: UDP-N-acetylglucosamine-1-phosphotransferase subunit alpha/beta deficiency. Identifiers: MedGen CN322573, MONDO:0100122.

Submission:

Myriad Genetics, Inc.
Classification: Pathogenic for GNPTAB-mucolipidosis. Last evaluated: 2025-05-24. Review status: criteria provided, single submitter. Criteria: Myriad Autosomal Dominant, Autosomal Recessive and X-Linked Classification Criteria (2023). Collection method: clinical testing. Allele origin: unknown.
Comment: NM_024312.4(GNPTAB):c.896delC(P299Lfs*8) is expected to be pathogenic in the context of GNPTAB-related disorders. This variant is predicted to lead to an abnormal or absent protein product due to the creation of a premature termination codon in GNPTAB, a gene where loss-of-function variants are known to be pathogenic. Please note: this variant was assessed in the context of healthy population screening.

NM_024312.5(GNPTAB):c.896del (p.Pro299fs)

Gene: GNPTAB (N-acetylglucosamine-1-phosphate transferase subunits alpha and beta; minus strand). Cytogenetic location: 12q23.2.
Variant type: Deletion.
Coding change: c.896del on transcript NM_024312.5 (MANE Select); coding-DNA position 896, one base deleted (C; older notation c.896delC).
Protein change: p.Pro299fs; shifts the reading frame from proline 299.
Molecular consequence: frameshift variant.
Genome position (GRCh38, 1-based): chr12:101,771,033, G deleted on the plus strand (C on the coding strand, the reverse complement: GNPTAB is on the minus strand); the first of 2 consecutive G bases (chr12:101,771,033-101,771,034); deleting either gives the same sequence. VCF-style (leftmost placement, unchanged base first): chr12-101771032-AG-A. GRCh37 (hg19) VCF-style: chr12-102164810-AG-A.
Other names: short protein forms P299fs.
Identifiers: ClinVar variation 5014507 (VCV005014507.1).